The following is an entry in ClinVar:

ClinVar aggregate classification (germline): Uncertain significance (1 of 4 stars; one submission).

Conditions:
Dilated cardiomyopathy 1JJ (CMD1JJ). Identifiers: Orphanet 154, MedGen C3808935, MONDO:0014095, OMIM 615235.

Submission:

Labcorp Genetics (formerly Invitae), Labcorp
Classification: Uncertain significance for Dilated cardiomyopathy 1JJ. Last evaluated: 2024-04-18. Review status: criteria provided, single submitter. Criteria: Invitae Variant Classification Sherloc (09022015). Collection method: clinical testing. Allele origin: germline.
Comment: This sequence change falls in intron 33 of the LAMA4 gene. It does not directly change the encoded amino acid sequence of the LAMA4 protein. It affects a nucleotide within the consensus splice site. This variant is not present in population databases (gnomAD no frequency). This variant has not been reported in the literature in individuals affected with LAMA4-related conditions. ClinVar contains an entry for this variant (Variation ID: 1023402). Variants that disrupt the consensus splice site are a relatively common cause of aberrant splicing (PMID: 17576681, 9536098). Algorithms developed to predict the effect of sequence changes on RNA splicing suggest that this variant may disrupt the consensus splice site. In summary, the available evidence is currently insufficient to determine the role of this variant in disease. Therefore, it has been classified as a Variant of Uncertain Significance.

Literature cited by the submitters: PubMed 17576681; PubMed 9536098.

NM_001105206.3(LAMA4):c.4665+6T>A

Gene: LAMA4 (laminin subunit alpha 4; minus strand). Cytogenetic location: 6q21.
Variant type: single nucleotide variant.
Coding change: c.4665+6T>A on transcript NM_001105206.3 (MANE Select); 6 bases into the intron after coding-DNA position 4665, T replaced by A.
Molecular consequence: intron variant.
Genome position (GRCh38, 1-based): chr6:112,120,277, A>T on the plus strand (T>A on the coding strand, the complement: LAMA4 is on the minus strand). VCF-style: chr6-112120277-A-T. GRCh37 (hg19) VCF-style: chr6-112441480-A-T.
Other names: c.4644+6T>A (NM_002290.5, NM_001105207.3).
Identifiers: ClinVar variation 1023402 (VCV001023402.8), dbSNP rs1778270384, ClinGen allele CA1655222813.